The following is an entry in ClinVar:

NC_012920.1(MT-TL2):m.12279A>T

Gene: MT-TL2 (mitochondrially encoded tRNA leucine 2 (CUN); plus strand).
Variant type: single nucleotide variant.
Genome position: chrM-12279-A-T.
Identifiers: ClinVar variation 690184 (VCV000690184.1), dbSNP rs1603223647, ClinGen allele CA913169963.

ClinVar aggregate classification (germline): Likely benign (1 of 4 stars; one submission).

Conditions:
MELAS syndrome (MELAS). Also called: Juvenile myopathy, encephalopathy, lactic acidosis, stroke. Identifiers: Orphanet 550, MedGen C0162671, MONDO:0010789, OMIM 540000.

Submission:

Wong Mito Lab, Molecular and Human Genetics, Baylor College of Medicine
Classification: Likely benign for MELAS syndrome. Last evaluated: 2019-07-12. Review status: criteria provided, single submitter. Criteria: Modified ACMG Guidelines (Unpublished). Collection method: clinical testing. Allele origin: germline.
Comment: The NC_012920.1:m.12279A>T variant in MT-TL2 gene is interpreted to be a Likely Benign variant based on the modified ACMG guidelines (unpublished). This variant meets the following evidence codes reported in the guidelines: BS1, BP4

Literature cited by the submitters: PubMed 31965079.